The following is an entry in ClinVar:

NM_001943.5(DSG2):c.2087T>A (p.Met696Lys)

Genes: DSG2 (desmoglein 2; plus strand), DSG2-AS1 (DSG2 antisense RNA 1; minus strand). Cytogenetic location: 18q12.1.
Variant type: single nucleotide variant.
Coding change: c.2087T>A on transcript NM_001943.5 (MANE Select); coding-DNA position 2087, T replaced by A.
Protein change: p.Met696Lys; replaces methionine 696 with lysine.
Molecular consequence: missense variant.
Genome position (GRCh38, 1-based): chr18:31,542,605, T>A. VCF-style: chr18-31542605-T-A. GRCh37 (hg19) VCF-style: chr18-29122568-T-A.
Other names: short protein forms M696K.
Identifiers: ClinVar variation 4781887 (VCV004781887.1).

ClinVar aggregate classification (germline): Uncertain significance (1 of 4 stars; one submission).

Conditions:
Arrhythmogenic right ventricular dysplasia 10. Also called: Arrhythmogenic Right Ventricular Dysplasia/Cardiomyopathy10; ARRHYTHMOGENIC RIGHT VENTRICULAR DYSPLASIA, FAMILIAL, 10; Arrhythmogenic right ventricular dysplasia/cardiomyopathy, type 10. Identifiers: MedGen C1857777, MONDO:0012434, OMIM 610193.

gnomAD v4.1: 1 of 1,614,048 alleles (0.000062%); highest among the groups gnomAD compares: Non-Finnish European, 0.000085%; no homozygotes.

Submission:

Labcorp Genetics (formerly Invitae), Labcorp
Classification: Uncertain significance for Arrhythmogenic right ventricular dysplasia 10. Last evaluated: 2025-07-30. Review status: criteria provided, single submitter. Criteria: Invitae Variant Classification Sherloc (09022015). Collection method: clinical testing. Allele origin: germline.
Comment: This sequence change replaces methionine, which is neutral and non-polar, with lysine, which is basic and polar, at codon 696 of the DSG2 protein (p.Met696Lys). This variant is not present in population databases (gnomAD no frequency). This variant has not been reported in the literature in individuals affected with DSG2-related conditions. Invitae Evidence Modeling of protein sequence and biophysical properties (such as structural, functional, and spatial information, amino acid conservation, physicochemical variation, residue mobility, and thermodynamic stability) indicates that this missense variant is not expected to disrupt DSG2 protein function with a negative predictive value of 95%. In summary, the available evidence is currently insufficient to determine the role of this variant in disease. Therefore, it has been classified as a Variant of Uncertain Significance.